The following is an entry in ClinVar:

NM_001370259.2(MEN1):c.189C>G (p.Phe63Leu)

Gene: MEN1 (menin 1; minus strand). Cytogenetic location: 11q13.1.
Variant type: single nucleotide variant.
Coding change: c.189C>G on transcript NM_001370259.2 (MANE Select); coding-DNA position 189, C replaced by G.
Protein change: p.Phe63Leu; replaces phenylalanine 63 with leucine.
Molecular consequence: missense variant.
Genome position (GRCh38, 1-based): chr11:64,809,921, G>C on the plus strand (C>G on the coding strand, the complement: MEN1 is on the minus strand). VCF-style: chr11-64809921-G-C. GRCh37 (hg19) VCF-style: chr11-64577393-G-C.
Other names: c.189C>G, p.Phe63Leu (NM_000244.4, NM_001370251.2, NM_001370260.2 and 9 more transcripts); c.189C>G (NM_000244.3); short protein forms F63L.
Identifiers: ClinVar variation 452316 (VCV000452316.26), dbSNP rs137880635, ClinGen allele CA060980.

ClinVar aggregate classification (germline): Conflicting classifications of pathogenicity. Review status: criteria provided, conflicting classifications (1 of 4 stars). 7 submissions from 7 submitters: Uncertain significance (5); Likely benign (1). 1 of the submissions does not count toward it. Last evaluated 2026-02-02.

Conditions:
MEN1-related disorder. Also called: MEN1-related condition.
Hereditary cancer-predisposing syndrome. Also called: Tumor predisposition; Hereditary Cancer Syndrome; Neoplastic Syndromes, Hereditary; Hereditary neoplastic syndrome. Identifiers: Orphanet 140162, MedGen C0027672, MeSH D009386, MONDO:0015356.
Multiple endocrine neoplasia, type 1 (MEN1). Also called: Endocrine adenomatosis multiple; MEN 1; MEN I; WERMER SYNDROME; MEA I. Identifiers: Orphanet 652, MedGen C0025267, MeSH D018761, MONDO:0007540, OMIM 131100.

Allele frequency attached by ClinVar (database versions not stated): gnomAD exomes below 0.00001; gnomAD 0.00001; TOPMed 0.00001; ExAC 0.00002; ESP Exome Variant Server 0.00008.
gnomAD v4.1: 11 of 1,586,278 alleles (0.00069%); highest among the groups gnomAD compares: Non-Finnish European, 0.00094%; no homozygotes.

Submissions (7):

Labcorp Genetics (formerly Invitae), Labcorp
Classification: Likely benign for Multiple endocrine neoplasia, type 1. Last evaluated: 2026-02-02. Review status: criteria provided, single submitter. Criteria: Invitae Variant Classification Sherloc (09022015). Collection method: clinical testing. Allele origin: germline.

Ambry Genetics
Classification: Uncertain significance for Hereditary cancer-predisposing syndrome. Last evaluated: 2025-08-28. Review status: criteria provided, single submitter. Criteria: Ambry Variant Classification Scheme 2023. Collection method: clinical testing. Allele origin: germline.
Comment: The p.F63L variant (also known as c.189C>G), located in coding exon 1 of the MEN1 gene, results from a C to G substitution at nucleotide position 189. The phenylalanine at codon 63 is replaced by leucine, an amino acid with highly similar properties. This amino acid position is highly conserved in available vertebrate species. In addition, the in silico prediction for this alteration is inconclusive. Since supporting evidence is limited at this time, the clinical significance of this alteration remains unclear.

All of Us Research Program, National Institutes of Health
Classification: Uncertain significance for Multiple endocrine neoplasia, type 1. Last evaluated: 2024-08-06. Review status: criteria provided, single submitter. Criteria: ACMG Guidelines, 2015. Collection method: clinical testing. Allele origin: germline. Inheritance: Autosomal dominant inheritance. Observed: 1 variant allele, 1 heterozygote.
Comment: This study involves interpretation of variants in research participants for the purpose of population health screening. Participant phenotype was not available at the time of variant classification. Additional details can be found in publication PMID: 35346344, PMCID: PMC8962531

Baylor Genetics
Classification: Uncertain significance for Multiple Endocrine Neoplasia Type 1. Last evaluated: 2023-11-12. Review status: criteria provided, single submitter. Criteria: ACMG Guidelines, 2015. Collection method: clinical testing. Allele origin: unknown.

GeneDx
Classification: Uncertain significance. Last evaluated: 2022-10-26. Review status: criteria provided, single submitter. Criteria: GeneDx Variant Classification Process June 2021. Collection method: clinical testing. Allele origin: germline. Affected: yes.
Comment: Not observed at significant frequency in large population cohorts (gnomAD); In silico analysis supports that this missense variant does not alter protein structure/function; Has not been previously published as pathogenic or benign to our knowledge

Genetic Services Laboratory, University of Chicago
Classification: Uncertain significance. Last evaluated: 2021-08-30. Review status: criteria provided, single submitter. Criteria: ACMG Guidelines, 2015. Collection method: clinical testing. Allele origin: germline. Affected: no.
Comment: DNA sequence analysis of the MEN1 gene demonstrated a sequence change, c.189C>G, in exon 2 that results in an amino acid change, p.Phe63Leu. This sequence change has been described in the gnomAD database in a single heterozygous individual which corresponds to a population frequency of 0.0005% (dbSNP rs137880635). The p.Phe63Leu change affects a moderately conserved amino acid residue located in a domain of the MEN1 protein that is known to be functional. In-silico pathogenicity prediction tools (SIFT, PolyPhen2, Align GVGD, REVEL) provide contradictory results for the p.Phe63Leu substitution. This sequence change does not appear to have been previously described in individuals with MEN1-related disorders. Due to insufficient evidences and the lack of functional studies, the clinical significance of the p.Phe63Leu change remains unknown at this time.

PreventionGenetics, part of Exact Sciences
Classification: Uncertain significance for MEN1-related condition. Last evaluated: 2024-02-15. Review status: no assertion criteria provided. Collection method: clinical testing. Allele origin: germline. Not counted in ClinVar's aggregate classification.
Comment: The MEN1 c.189C>G variant is predicted to result in the amino acid substitution p.Phe63Leu. To our knowledge, this variant has not been reported in the literature. This variant is reported in 0.0084% of alleles in individuals of African descent in gnomAD. This variant is interpreted as uncertain in ClinVar. At this time, the clinical significance of this variant is uncertain due to the absence of conclusive functional and genetic evidence.